The following is an entry in ClinVar:

NM_052874.5(STX1B):c.463+5G>C

Gene: STX1B (syntaxin 1B; minus strand). Cytogenetic location: 16p11.2.
Variant type: single nucleotide variant.
Coding change: c.463+5G>C on transcript NM_052874.5 (MANE Select); 5 bases into the intron after coding-DNA position 463, G replaced by C.
Molecular consequence: intron variant.
Genome position (GRCh38, 1-based): chr16:30,996,946, C>G on the plus strand (G>C on the coding strand, the complement: STX1B is on the minus strand). VCF-style: chr16-30996946-C-G. GRCh37 (hg19) VCF-style: chr16-31008267-C-G.
Other names: c.463+5G>C (NM_052874.3).
Identifiers: ClinVar variation 645332 (VCV000645332.10), dbSNP rs1596716834, ClinGen allele CA915949245.

ClinVar aggregate classification (germline): Conflicting classifications of pathogenicity. Review status: criteria provided, conflicting classifications (1 of 4 stars). 3 submissions from 3 submitters: Likely pathogenic (1); Uncertain significance (2). Last evaluated 2025-08-20.

Conditions:
Inborn genetic diseases. Identifiers: MedGen C0950123, MeSH D030342.
Generalized epilepsy with febrile seizures plus, type 9 (GEFSP9). Also called: GEFS+, TYPE 9. Identifiers: Orphanet 36387, MedGen C4015395, MONDO:0014517, OMIM 616172.

Submissions (3):

Ambry Genetics
Classification: Likely pathogenic for Inborn genetic diseases. Last evaluated: 2025-08-20. Review status: criteria provided, single submitter. Criteria: Ambry Variant Classification Scheme 2023. Collection method: clinical testing. Allele origin: germline.
Comment: The c.463+5G>C intronic alteration consists of a G to C substitution 5 nucleotides after coding exon 6 in the STX1B gene. This variant was not reported in population-based cohorts in the Genome Aggregation Database (gnomAD). Other variant(s) impacting the same donor site (c.463+5G>T) have been identified in individual(s) with features consistent with STX1B-related epilepsies (external communication). This nucleotide position is highly conserved in available vertebrate species. In silico splice site analysis predicts that this alteration will weaken the native splice donor site. Based on the available evidence, this alteration is classified as likely pathogenic.

Institute for Clinical Genetics, University Hospital TU Dresden, University Hospital TU Dresden
Classification: Uncertain significance. Last evaluated: 2023-03-08. Review status: criteria provided, single submitter. Criteria: ACMG Guidelines, 2015. Collection method: clinical testing. Allele origin: germline.
Comment: PP3, PM2_SUP

Labcorp Genetics (formerly Invitae), Labcorp
Classification: Uncertain significance for Generalized epilepsy with febrile seizures plus, type 9. Last evaluated: 2020-04-23. Review status: criteria provided, single submitter. Criteria: Invitae Variant Classification Sherloc (09022015). Collection method: clinical testing. Allele origin: germline.
Comment: In summary, the available evidence is currently insufficient to determine the role of this variant in disease. Therefore, it has been classified as a Variant of Uncertain Significance. Nucleotide substitutions within the consensus splice site are a relatively common cause of aberrant splicing (PMID: 17576681, 9536098). Algorithms developed to predict the effect of sequence changes on RNA splicing suggest that this variant may disrupt the consensus splice site, but this prediction has not been confirmed by published transcriptional studies. This variant has not been reported in the literature in individuals with STX1B-related conditions. This variant is not present in population databases (ExAC no frequency). This sequence change falls in intron 6 of the STX1B gene. It does not directly change the encoded amino acid sequence of the STX1B protein, but it affects a nucleotide within the consensus splice site of the intron.

Literature cited by the submitters: PubMed 17576681 (cited by Labcorp Genetics (formerly Invitae), Labcorp); PubMed 9536098 (cited by Labcorp Genetics (formerly Invitae), Labcorp).